The following is an entry in ClinVar:

ClinVar aggregate classification (germline): Uncertain significance. Review status: criteria provided, multiple submitters, no conflicts (2 of 4 stars). 5 submissions from 5 submitters: Uncertain significance (4). 1 of the submissions does not count toward it. Last evaluated 2023-04-11.

Conditions:
Intellectual disability-microcephaly-strabismus-behavioral abnormalities syndrome. Also called: White-Sutton Syndrome. Identifiers: Orphanet 468678, MedGen C4225351, MONDO:0014606, OMIM 616364.
Autism spectrum disorder. Also called: Autism spectrum disorders. Identifiers: MedGen C1510586, MeSH D000067877, MONDO:0005258.

Allele frequency attached by ClinVar (database versions not stated): gnomAD exomes 0.00001; ExAC 0.00002; gnomAD 0.00003 and 0.00004.
gnomAD v4.1: 23 of 1,614,042 alleles (0.0014%); highest among the groups gnomAD compares: South Asian, 0.012%; no homozygotes.

Submissions (5):

Genome-Nilou Lab
Classification: Uncertain significance for Intellectual disability-microcephaly-strabismus-behavioral abnormalities syndrome. Last evaluated: 2023-04-11. Review status: criteria provided, single submitter. Criteria: ACMG Guidelines, 2015. Collection method: clinical testing. Allele origin: germline. Affected: no.

CeGaT Center for Human Genetics Tuebingen
Classification: Uncertain significance. Last evaluated: 2023-04-01. Review status: criteria provided, single submitter. Criteria: CeGaT Center For Human Genetics Tuebingen Variant Classification Criteria Version 2. Collection method: clinical testing. Allele origin: germline. Affected: yes. Observed: 1 variant allele.
Comment: POGZ: PP2

Labcorp Genetics (formerly Invitae), Labcorp
Classification: Uncertain significance. Last evaluated: 2022-01-07. Review status: criteria provided, single submitter. Criteria: Invitae Variant Classification Sherloc (09022015). Collection method: clinical testing. Allele origin: germline.
Comment: This sequence change replaces glutamic acid, which is acidic and polar, with lysine, which is basic and polar, at codon 1203 of the POGZ protein (p.Glu1203Lys). This variant is present in population databases (rs756483529, gnomAD 0.01%). This variant has not been reported in the literature in individuals affected with POGZ-related conditions. ClinVar contains an entry for this variant (Variation ID: 560559). Algorithms developed to predict the effect of missense changes on protein structure and function are either unavailable or do not agree on the potential impact of this missense change (SIFT: "Deleterious"; PolyPhen-2: "Possibly Damaging"; Align-GVGD: "Class C0"). In summary, the available evidence is currently insufficient to determine the role of this variant in disease. Therefore, it has been classified as a Variant of Uncertain Significance.

Eurofins Ntd Llc (ga)
Classification: Uncertain significance. Last evaluated: 2018-06-29. Review status: criteria provided, single submitter. Criteria: EGL ClinVar v180209 classification definitions. Collection method: clinical testing. Allele origin: germline. Observed: 1 variant allele, 1 heterozygote.

Center of Medical Genetics, Central South University
Classification: association for Autism spectrum disorder. Review status: no assertion criteria provided. Collection method: clinical testing. Allele origin: maternal. Affected: yes. Observed: 1 variant allele. Not counted in ClinVar's aggregate classification.

NM_015100.4(POGZ):c.3607G>A (p.Glu1203Lys)

Gene: POGZ (pogo transposable element derived with ZNF domain; minus strand). Cytogenetic location: 1q21.3.
Variant type: single nucleotide variant.
Coding change: c.3607G>A on transcript NM_015100.4 (MANE Select); coding-DNA position 3607, G replaced by A.
Protein change: p.Glu1203Lys; replaces glutamic acid 1203 with lysine.
Molecular consequence: missense variant.
Genome position (GRCh38, 1-based): chr1:151,405,428, C>T on the plus strand (G>A on the coding strand, the complement: POGZ is on the minus strand). VCF-style: chr1-151405428-C-T. GRCh37 (hg19) VCF-style: chr1-151377904-C-T.
Other names: c.3580G>A, p.Glu1194Lys (NM_001194937.2); c.3421G>A, p.Glu1141Lys (NM_001194938.2); c.3322G>A, p.Glu1108Lys (NM_145796.4); c.3448G>A, p.Glu1150Lys (NM_207171.2); short protein forms E1203K, E1108K, E1194K, E1141K, E1150K.
Identifiers: ClinVar variation 560559 (VCV000560559.32), dbSNP rs756483529, ClinGen allele CA1090929.